The following is an entry in ClinVar:

ClinVar aggregate classification (germline): Benign/Likely benign. Review status: criteria provided, multiple submitters, no conflicts (2 of 4 stars). 16 submissions from 16 submitters: Benign (4); Likely benign (6). 6 of the submissions do not count toward it. Last evaluated 2026-02-03.

Conditions:
BRCA2-related disorder. Also called: BRCA2-related condition; BRCA2-related disorders. Identifiers: MedGen CN239275.
Breast and/or ovarian cancer. Identifiers: MedGen CN221562.
Hereditary cancer-predisposing syndrome. Also called: Neoplastic Syndromes, Hereditary; Hereditary neoplastic syndrome; Tumor predisposition; Hereditary Cancer Syndrome. Identifiers: Orphanet 140162, MedGen C0027672, MeSH D009386, MONDO:0015356.
Hereditary breast ovarian cancer syndrome. Also called: Hereditary breast and/or ovarian cancer syndrome; Breast and ovarian cancer; BRCA1- and BRCA2-Associated Hereditary Breast and Ovarian Cancer; Hereditary breast and ovarian cancer; Hereditary breast and ovarian cancer syndrome; Hereditary breast and ovarian cancer syndrome (HBOC). Identifiers: Orphanet 145, MedGen C0677776, MeSH D061325, MONDO:0003582. Disease mechanism: loss of function.
Breast-ovarian cancer, familial, susceptibility to, 2 (BROVCA2). Also called: BRCA2 Hereditary Breast and Ovarian Cancer. Identifiers: Orphanet 145, MedGen C2675520, MONDO:0012933, OMIM 612555. Disease mechanism: loss of function.
Malignant tumor of breast. Also called: Cancer breast; Malignant breast neoplasm. Identifiers: MedGen C0006142, MONDO:0007254. Disease mechanism: loss of function.

Allele frequency attached by ClinVar (database versions not stated): gnomAD 0.00001 and 0.00003; TOPMed 0.00002; ExAC 0.00003; gnomAD exomes 0.00003 and 0.00004; ESP Exome Variant Server 0.00008; 1000 Genomes Project 0.00020; 1000 Genomes Project 30x 0.00031.

Submissions (16):

Labcorp Genetics (formerly Invitae), Labcorp
Classification: Benign for Hereditary breast ovarian cancer syndrome. Last evaluated: 2026-02-03. Review status: criteria provided, single submitter. Criteria: Invitae Variant Classification Sherloc (09022015). Collection method: clinical testing. Allele origin: germline.

Molecular Diagnostics Laboratory, Catalan Institute of Oncology
Classification: Likely benign for Hereditary cancer-predisposing syndrome. Last evaluated: 2024-10-16. Review status: criteria provided, single submitter. Criteria: ClinGen BRCA1BRCA2 ACMG Specifications BRCA2 V1.0.0. Collection method: clinical testing. Allele origin: germline.
Comment: BP1_Strong c.4670C>G, located in exon 11 of the BRCA2 gene, is predicted to result in the substitution of threonine by serine at codon 1557, p.(Thr1557Ser). This position is outside a (potentially) clinically important functional domain and, moreover, the SpliceAI algorithm predicts no significant impact on splicing (BP1_strong). This variant is found in 7/267918 alleles at a frequency of 0.0026%, with a filter allele frequency of 0.0009% at 99% confidence, in the gnomAD v2.1.1 database non-cancer dataset. To our knowledge, no well-stablished functional studies have been reported for this variant. Published clinical data for a multifactorial likelihood analysis (PMID: 31131967) showed a combined LR inconclusive towards benign or pathogenicity of the variant (LR 0.87), based on co-occurrence (LR 1.21) and family history (LR 0.72). In addition, it was also identified in the following databases: BRCA Exchange (Not Yet Reviewed), ClinVar (5x likely benign, 3x uncertain significance) and LOVD ( 7x uncertain significance). Based on the currently available information, c.4670C>G is classified as a likely benign according to ClinGen-BRCA2 Guidelines version v1.0.0.

Blueprint Genetics
Classification: Likely benign. Last evaluated: 2024-01-23. Review status: criteria provided, single submitter. Criteria: ACMG Guidelines, 2015. Collection method: clinical testing. Allele origin: germline.

Sema4
Classification: Likely benign for Hereditary cancer-predisposing syndrome. Last evaluated: 2021-10-26. Review status: criteria provided, single submitter. Criteria: Sema4 Curation Guidelines. Collection method: curation. Allele origin: germline.

Quest Diagnostics Nichols Institute San Juan Capistrano
Classification: Likely benign. Last evaluated: 2020-12-17. Review status: criteria provided, single submitter. Criteria: Quest Diagnostics criteria. Collection method: clinical testing. Allele origin: unknown.

GeneDx
Classification: Likely benign. Last evaluated: 2020-09-17. Review status: criteria provided, single submitter. Criteria: GeneDx Variant Classification Process June 2021. Collection method: clinical testing. Allele origin: germline. Affected: yes.
Comment: This variant is associated with the following publications: (PMID: 16826315, 24607278, 14684619, 15937982, 27157322, 22476429, 31131967, 31825140)

Mendelics
Classification: Likely benign for Breast-ovarian cancer, familial, susceptibility to, 2. Last evaluated: 2019-05-28. Review status: criteria provided, single submitter. Criteria: Mendelics Assertion Criteria 2017. Collection method: clinical testing. Allele origin: unknown.

Women's Health and Genetics/Laboratory Corporation of America, LabCorp
Classification: Benign. Last evaluated: 2016-03-31. Review status: criteria provided, single submitter. Criteria: LabCorp Variant Classification Summary - May 2015. Collection method: clinical testing. Allele origin: germline.
Comment: Variant Summary: The c.4670C>G variant in BRCA2 gene is a missense change that alters a non-conserved and 4/5 in silico tools predict benign outcome. The variant is found in the large control population dataset of ExAC at a frequency of 0.003%. This frequency does not exceed the maximal expected frequency of a pathogenic allele (0.075%), however the variant may be a rare functional polymorphism. The variant has been reported in several affected individuals without strong evidence for causality. The fact that c.4670C>G has been reported to co-occur with a different deleterious mutation in BRCA1 and BRCA2 genes including presence of another deleterious variant in trans and failed to segregate with the disease in at least one HBOC family suggests a non-disease causing nature of this variant. In addition, reputable databases/diagnostic centers listed the variant of interest with a classification of Benign/Likely Benign. Considering all evidence, the variant was classified as Benign.

Color Diagnostics, LLC DBA Color Health
Classification: Benign for Hereditary cancer-predisposing syndrome. Last evaluated: 2016-02-17. Review status: criteria provided, single submitter. Criteria: ACMG Guidelines, 2015. Collection method: clinical testing. Allele origin: germline.

Ambry Genetics
Classification: Benign for Hereditary cancer-predisposing syndrome. Last evaluated: 2015-05-14. Review status: criteria provided, single submitter. Criteria: Ambry Variant Classification Scheme 2023. Collection method: clinical testing. Allele origin: germline.

PreventionGenetics, part of Exact Sciences
Classification: Benign for BRCA2-related condition. Last evaluated: 2020-12-09. Review status: no assertion criteria provided. Collection method: clinical testing. Allele origin: germline. Not counted in ClinVar's aggregate classification.
Comment: This variant is classified as benign based on ACMG/AMP sequence variant interpretation guidelines (Richards et al. 2015 PMID: 25741868, with internal and published modifications).

Counsyl
Classification: Likely benign for Breast-ovarian cancer, familial, susceptibility to, 2. Last evaluated: 2017-11-08. Review status: no assertion criteria provided. Collection method: clinical testing. Allele origin: unknown. Not counted in ClinVar's aggregate classification.

Foulkes Cancer Genetics LDI, Lady Davis Institute for Medical Research
Classification: Uncertain significance for Breast and/or ovarian cancer. Last evaluated: 2012-10-01. Review status: no assertion criteria provided. Collection method: clinical testing. Allele origin: germline. Study: The Canadian Open Genetics Repository (COGR). Not counted in ClinVar's aggregate classification.

Sharing Clinical Reports Project (SCRP)
Classification: Benign for Breast-ovarian cancer, familial 2. Last evaluated: 2012-05-01. Review status: no assertion criteria provided. Collection method: clinical testing. Allele origin: germline. Not counted in ClinVar's aggregate classification.

Breast Cancer Information Core (BIC) (BRCA2)
Classification: Uncertain significance for Breast-ovarian cancer, familial 2. Last evaluated: 2002-05-29. Review status: no assertion criteria provided. Collection method: clinical testing. Allele origin: germline. Affected: yes. Observed: 4 variant alleles. Not counted in ClinVar's aggregate classification.

Department of Pathology and Laboratory Medicine, Sinai Health System
Classification: Uncertain significance for Malignant tumor of breast. Review status: no assertion criteria provided. Collection method: clinical testing. Allele origin: unknown. Affected: yes. Study: The Canadian Open Genetics Repository (COGR). Not counted in ClinVar's aggregate classification.
Comment: The BRCA2 p.Thr1557Ser variant was identified in 3 of 1662 proband chromosomes (frequency 0.002) from individuals or families with breast cancer; it was not identified in any of the 288 control chromosomes evaluated (Esteban-Cardenosa 2004, Peixoto 2006, Velasco 2005). It is listed in dbSNP database as coming from a "clinical source" (ID#: rs80358698) with a global minor allele frequency (MAF) of 0.001 (1000 Genomes); however, there was only one observation and it was not validated. It has also been reported in the UMD (7X as an unclassified variant), and in the BIC database (5X with unknown clinical importance). This residue is not conserved in mammals and computational analyses (PolyPhen-2, SIFT, AlignGVGD, BLOSUM) do not suggest a high likelihood of impact to the protein. However, this information is not predictive enough to rule out pathogenicity. In summary, based on the above information, the clinical significance of this variant cannot be determined with certainty at this time. This variant is classified as a variant of unknown significance.

Literature cited by the submitters: PubMed 33471991 (cited by Sema4); PubMed 31825140 (cited by Sema4); PubMed 14684619 (cited by 3 submitters); PubMed 15937982 (cited by 4 submitters); PubMed 16826315 (cited by 5 submitters); PubMed 22476429 (cited by Sema4 and Counsyl); PubMed 24607278 (cited by 5 submitters); PubMed 27157322 (cited by Sema4 and Counsyl); PubMed 32467295 (cited by Sema4); PubMed 32817299 (cited by Sema4); PubMed 25348012 (cited by Quest Diagnostics Nichols Institute San Juan Capistrano).

NM_000059.4(BRCA2):c.4670C>G (p.Thr1557Ser)

Gene: BRCA2 (BRCA2 DNA repair associated; plus strand). Cytogenetic location: 13q13.1.
Variant type: single nucleotide variant.
Coding change: c.4670C>G on transcript NM_000059.4 (MANE Select); coding-DNA position 4670, C replaced by G.
Protein change: p.Thr1557Ser; replaces threonine 1557 with serine.
Molecular consequence: missense variant.
Genome position (GRCh38, 1-based): chr13:32,339,025, C>G. VCF-style: chr13-32339025-C-G. GRCh37 (hg19) VCF-style: chr13-32913162-C-G.
Other names: 4898C>G; short protein forms T1557S.
Identifiers: ClinVar variation 37917 (VCV000037917.26), dbSNP rs80358698, ClinGen allele CA020620.